The following is an entry in ClinVar:

NM_001903.5(CTNNA1):c.1795A>G (p.Ser599Gly)

Gene: CTNNA1 (catenin alpha 1; plus strand). Cytogenetic location: 5q31.2.
Variant type: single nucleotide variant.
Coding change: c.1795A>G on transcript NM_001903.5 (MANE Select); coding-DNA position 1795, A replaced by G.
Protein change: p.Ser599Gly; replaces serine 599 with glycine.
Molecular consequence: missense variant.
Genome position (GRCh38, 1-based): chr5:138,925,303, A>G. VCF-style: chr5-138925303-A-G. GRCh37 (hg19) VCF-style: chr5-138260992-A-G.
Other names: c.1795A>G (NM_001903.2); c.1795A>G, p.Ser599Gly (NM_001290307.3, NM_001323982.2, NM_001323983.1 and 2 more transcripts); c.1486A>G, p.Ser496Gly (NM_001290309.3); c.1426A>G, p.Ser476Gly (NM_001290310.3); c.685A>G, p.Ser229Gly (NM_001290312.1, NM_001323987.1, NM_001323988.1 and 17 more transcripts); c.1702A>G, p.Ser568Gly (NM_001323986.2); c.346A>G, p.Ser116Gly (NM_001324006.1, NM_001324007.1, NM_001324008.1 and 2 more transcripts); c.592A>G, p.Ser198Gly (NM_001324011.1); and 1 more; short protein forms S229G, S116G, S496G, S148G, S476G, S599G, S198G, S568G.
Identifiers: ClinVar variation 2202569 (VCV002202569.7), dbSNP rs774165453, ClinGen allele CA361132220.

ClinVar aggregate classification (germline): Uncertain significance. Review status: criteria provided, multiple submitters, no conflicts (2 of 4 stars). 2 submissions from 2 submitters: Uncertain significance (2). Last evaluated 2025-07-29.

Conditions:
Hereditary cancer-predisposing syndrome. Also called: Tumor predisposition; Hereditary neoplastic syndrome; Neoplastic Syndromes, Hereditary; Hereditary Cancer Syndrome. Identifiers: Orphanet 140162, MedGen C0027672, MeSH D009386, MONDO:0015356.

Submissions (2):

Labcorp Genetics (formerly Invitae), Labcorp
Classification: Uncertain significance. Last evaluated: 2025-07-29. Review status: criteria provided, single submitter. Criteria: Invitae Variant Classification Sherloc (09022015). Collection method: clinical testing. Allele origin: germline.
Comment: This sequence change replaces serine, which is neutral and polar, with glycine, which is neutral and non-polar, at codon 599 of the CTNNA1 protein (p.Ser599Gly). This variant is not present in population databases (gnomAD no frequency). This variant has not been reported in the literature in individuals affected with CTNNA1-related conditions. ClinVar contains an entry for this variant (Variation ID: 2202569). Invitae Evidence Modeling of protein sequence and biophysical properties (such as structural, functional, and spatial information, amino acid conservation, physicochemical variation, residue mobility, and thermodynamic stability) indicates that this missense variant is not expected to disrupt CTNNA1 protein function with a negative predictive value of 80%. In summary, the available evidence is currently insufficient to determine the role of this variant in disease. Therefore, it has been classified as a Variant of Uncertain Significance.

Ambry Genetics
Classification: Uncertain significance for Hereditary cancer-predisposing syndrome. Last evaluated: 2025-03-24. Review status: criteria provided, single submitter. Criteria: Ambry Variant Classification Scheme 2023. Collection method: clinical testing. Allele origin: germline.
Comment: The p.S599G variant (also known as c.1795A>G), located in coding exon 12 of the CTNNA1 gene, results from an A to G substitution at nucleotide position 1795. The serine at codon 599 is replaced by glycine, an amino acid with similar properties. This amino acid position is highly conserved in available vertebrate species. In addition, the in silico prediction for this alteration is inconclusive. Based on the available evidence, the clinical significance of this variant remains unclear.